The following is an entry in ClinVar:

ClinVar aggregate classification (germline): Uncertain significance (1 of 4 stars; one submission).

Allele frequency attached by ClinVar (database versions not stated): TOPMed below 0.00001.

Submission:

GeneDx
Classification: Uncertain significance. Last evaluated: 2021-02-18. Review status: criteria provided, single submitter. Criteria: GeneDx Variant Classification Process June 2021. Collection method: clinical testing. Allele origin: germline. Affected: yes.
Comment: Not observed in large population cohorts (Lek et al., 2016); In silico analysis supports that this missense variant does not alter protein structure/function; Has not been previously published as pathogenic or benign to our knowledge

NM_006734.4(HIVEP2):c.4867A>G (p.Thr1623Ala)

Gene: HIVEP2 (HIVEP zinc finger 2; minus strand). Cytogenetic location: 6q24.2.
Variant type: single nucleotide variant.
Coding change: c.4867A>G on transcript NM_006734.4 (MANE Select); coding-DNA position 4867, A replaced by G.
Protein change: p.Thr1623Ala; replaces threonine 1623 with alanine.
Molecular consequence: missense variant.
Genome position (GRCh38, 1-based): chr6:142,769,872, T>C on the plus strand (A>G on the coding strand, the complement: HIVEP2 is on the minus strand). VCF-style: chr6-142769872-T-C. GRCh37 (hg19) VCF-style: chr6-143091009-T-C.
Other names: short protein forms T1623A.
Identifiers: ClinVar variation 451042 (VCV000451042.3), dbSNP rs1342652670, ClinGen allele CA365897713.